The following is an entry in ClinVar:

NM_032043.3(BRIP1):c.149G>A (p.Ser50Asn)

Gene: BRIP1 (BRCA1 interacting DNA helicase 1; minus strand). Cytogenetic location: 17q23.2.
Variant type: single nucleotide variant.
Coding change: c.149G>A on transcript NM_032043.3 (MANE Select); coding-DNA position 149, G replaced by A.
Protein change: p.Ser50Asn; replaces serine 50 with asparagine.
Molecular consequence: missense variant.
Genome position (GRCh38, 1-based): chr17:61,859,852, C>T on the plus strand (G>A on the coding strand, the complement: BRIP1 is on the minus strand). VCF-style: chr17-61859852-C-T. GRCh37 (hg19) VCF-style: chr17-59937213-C-T.
Other names: short protein forms S50N.
Identifiers: ClinVar variation 418093 (VCV000418093.3), dbSNP rs1064793071, ClinGen allele CA16620548.

ClinVar aggregate classification (germline): Uncertain significance. Review status: criteria provided, multiple submitters, no conflicts (2 of 4 stars). 2 submissions from 2 submitters: Uncertain significance (2). Last evaluated 2025-02-23.

Conditions:
Fanconi anemia complementation group J. Also called: BRIP1-Related Fanconi Anemia. Identifiers: Orphanet 84, MedGen C1836860, MONDO:0012187, OMIM 609054.
Familial cancer of breast. Also called: Hereditary breast cancer; BREAST CANCER, FAMILIAL; hereditary breast carcinoma. Identifiers: Orphanet 227535, MedGen C0346153, MONDO:0016419, OMIM 114480. Disease mechanism: loss of function.

Submissions (2):

Labcorp Genetics (formerly Invitae), Labcorp
Classification: Uncertain significance for Familial cancer of breast; Fanconi anemia complementation group J. Last evaluated: 2025-02-23. Review status: criteria provided, single submitter. Criteria: Invitae Variant Classification Sherloc (09022015). Collection method: clinical testing. Allele origin: germline.
Comment: This sequence change replaces serine, which is neutral and polar, with asparagine, which is neutral and polar, at codon 50 of the BRIP1 protein (p.Ser50Asn). This variant is not present in population databases (gnomAD no frequency). This variant has not been reported in the literature in individuals affected with BRIP1-related conditions. ClinVar contains an entry for this variant (Variation ID: 418093). Invitae Evidence Modeling of protein sequence and biophysical properties (such as structural, functional, and spatial information, amino acid conservation, physicochemical variation, residue mobility, and thermodynamic stability) has been performed for this missense variant. However, the output from this modeling did not meet the statistical confidence thresholds required to predict the impact of this variant on BRIP1 protein function. In summary, the available evidence is currently insufficient to determine the role of this variant in disease. Therefore, it has been classified as a Variant of Uncertain Significance.

GeneDx
Classification: Uncertain significance. Last evaluated: 2015-02-28. Review status: criteria provided, single submitter. Criteria: GeneDx Variant Classification (06012015). Collection method: clinical testing. Allele origin: germline. Affected: yes.
Comment: This variant is denoted BRIP1 c.149G>A at the cDNA level, p.Ser50Asn (S50N) at the protein level, and results in the change of a Serine to an Asparagine (AGT>AAT). This variant has not, to our knowledge, been published in the literature as pathogenic or benign. BRIP1 Ser50Asn was not observed in approximately 6,500 individuals of European and African American ancestry in the NHLBI Exome Sequencing Project, indicating it is not a common benign variant in these populations. Since Serine and Asparagine share similar properties, this is considered a conservative amino acid substitution. BRIP1 Ser50Asn occurs at a position that is conserved across species and is located in the helicase ATP binding domain (UniProt). In silico analyses predict that this variant is probably damaging to protein structure and function. Based on currently available information, it is unclear whether BRIP1 Ser50Asn is pathogenic or benign. We consider it to be a variant of uncertain significance.